The following is an entry in ClinVar:

ClinVar aggregate classification (germline): Uncertain significance (1 of 4 stars; one submission).

gnomAD v4.1: 60 of 1,202,770 alleles (0.005%); highest among the groups gnomAD compares: Non-Finnish European, 0.0057%; no homozygotes.

Submission:

Labcorp Genetics (formerly Invitae), Labcorp
Classification: Uncertain significance. Last evaluated: 2025-06-29. Review status: criteria provided, single submitter. Criteria: Invitae Variant Classification Sherloc (09022015). Collection method: clinical testing. Allele origin: germline.
Comment: This sequence change replaces glycine, which is neutral and non-polar, with arginine, which is basic and polar, at codon 121 of the PIH1D3 protein (p.Gly121Arg). The frequency data for this variant in the population databases is considered unreliable, as metrics indicate poor data quality at this position in the gnomAD database. This variant has not been reported in the literature in individuals affected with PIH1D3-related conditions. An algorithm developed to predict the effect of missense changes on protein structure and function outputs the following: PolyPhen-2: "Probably Damaging". The arginine amino acid residue is found in multiple mammalian species, which suggests that this missense change does not adversely affect protein function. In summary, the available evidence is currently insufficient to determine the role of this variant in disease. Therefore, it has been classified as a Variant of Uncertain Significance.

NM_173494.2(DNAAF6):c.361G>A (p.Gly121Arg)

Gene: DNAAF6 (dynein axonemal assembly factor 6; plus strand). Cytogenetic location: Xq22.3.
Variant type: single nucleotide variant.
Coding change: c.361G>A on transcript NM_173494.2 (MANE Select); coding-DNA position 361, G replaced by A.
Protein change: p.Gly121Arg; replaces glycine 121 with arginine.
Molecular consequence: missense variant.
Genome position (GRCh38, 1-based): chrX:107,222,773, G>A. VCF-style: chrX-107222773-G-A. GRCh37 (hg19) VCF-style: chrX-106466003-G-A.
Other names: c.361G>A, p.Gly121Arg (NM_001169154.2); short protein forms G121R.
Identifiers: ClinVar variation 4751507 (VCV004751507.1), dbSNP rs267606305.